The following is an entry in ClinVar:

ClinVar aggregate classification (germline): Uncertain significance (1 of 4 stars; one submission).

gnomAD v4.1: 25 of 1,522,730 alleles (0.0016%); highest among the groups gnomAD compares: African/African-American, 0.017%; no homozygotes.

Submission:

Labcorp Genetics (formerly Invitae), Labcorp
Classification: Uncertain significance. Last evaluated: 2025-07-14. Review status: criteria provided, single submitter. Criteria: Invitae Variant Classification Sherloc (09022015). Collection method: clinical testing. Allele origin: germline.
Comment: This sequence change replaces aspartic acid, which is acidic and polar, with asparagine, which is neutral and polar, at codon 469 of the AEBP1 protein (p.Asp469Asn). This variant is present in population databases (rs150909656, gnomAD 0.01%). This variant has not been reported in the literature in individuals affected with AEBP1-related conditions. ClinVar contains an entry for this variant (Variation ID: 3625628). An algorithm developed to predict the effect of missense changes on protein structure and function (PolyPhen-2) suggests that this variant is likely to be disruptive. In summary, the available evidence is currently insufficient to determine the role of this variant in disease. Therefore, it has been classified as a Variant of Uncertain Significance.

NM_001129.5(AEBP1):c.1405G>A (p.Asp469Asn)

Gene: AEBP1 (AE binding protein 1; plus strand). Cytogenetic location: 7p13.
Variant type: single nucleotide variant.
Coding change: c.1405G>A on transcript NM_001129.5 (MANE Select); coding-DNA position 1405, G replaced by A.
Protein change: p.Asp469Asn; replaces aspartic acid 469 with asparagine.
Molecular consequence: missense variant.
Genome position (GRCh38, 1-based): chr7:44,110,729, G>A. VCF-style: chr7-44110729-G-A. GRCh37 (hg19) VCF-style: chr7-44150328-G-A.
Other names: short protein forms D469N.
Identifiers: ClinVar variation 3625628 (VCV003625628.2).